The following is an entry in ClinVar:

NM_000492.4(CFTR):c.4046del (p.Gly1349fs)

Gene: CFTR (CF transmembrane conductance regulator; plus strand). Cytogenetic location: 7q31.2.
Variant type: Deletion.
Coding change: c.4046del on transcript NM_000492.4 (MANE Select); coding-DNA position 4046, one base deleted (G; older notation c.4046delG).
Protein change: p.Gly1349fs; shifts the reading frame from glycine 1349.
Molecular consequence: frameshift variant.
Genome position (GRCh38, 1-based): chr7:117,664,770, G deleted; the last of 2 consecutive G bases (chr7:117,664,769-117,664,770); deleting either gives the same sequence. VCF-style (leftmost placement, unchanged base first): chr7-117664768-TG-T. GRCh37 (hg19) VCF-style: chr7-117304822-TG-T.
Other names: short protein forms G1349fs.
Identifiers: ClinVar variation 996250 (VCV000996250.1), dbSNP rs1793342111, ClinGen allele CA1737421955.

ClinVar aggregate classification (germline): Likely pathogenic (1 of 4 stars; one submission).

Conditions:
Cystic fibrosis (CF). Also called: MUCOVISCIDOSIS. Identifiers: Orphanet 586, MedGen C0010674, MONDO:0009061, OMIM 219700. Disease mechanism: loss of function.

Submission:

Women's Health and Genetics/Laboratory Corporation of America, LabCorp
Classification: Likely pathogenic for Cystic fibrosis. Last evaluated: 2021-01-29. Review status: criteria provided, single submitter. Criteria: LabCorp Variant Classification Summary - May 2015. Collection method: clinical testing. Allele origin: germline.
Comment: Variant summary: CFTR c.4046delG (p.Gly1349AlafsX5) results in a premature termination codon, predicted to cause a truncation of the encoded protein or absence of the protein due to nonsense mediated decay, which are commonly known mechanisms for disease. Truncations downstream of this position have been classified as pathogenic by our laboratory. The variant was absent in 251176 control chromosomes. To our knowledge, no occurrence of c.4046delG in individuals affected with Cystic Fibrosis and no experimental evidence demonstrating its impact on protein function have been reported. No clinical diagnostic laboratories have submitted clinical-significance assessments for this variant to ClinVar after 2014. Based on the evidence outlined above, the variant was classified as likely pathogenic.

Literature cited by the submitters: PubMed 32084388.